The following is an entry in ClinVar:

ClinVar aggregate classification (germline): Uncertain significance (1 of 4 stars; one submission).

Conditions:
Dyskeratosis congenita. Identifiers: Orphanet 1775, MedGen C0265965, MONDO:0015780.

Submission:

Labcorp Genetics (formerly Invitae), Labcorp
Classification: Uncertain significance for Dyskeratosis congenita. Last evaluated: 2024-03-16. Review status: criteria provided, single submitter. Criteria: Invitae Variant Classification Sherloc (09022015). Collection method: clinical testing. Allele origin: germline.
Comment: This sequence change replaces lysine, which is basic and polar, with glutamic acid, which is acidic and polar, at codon 106 of the TINF2 protein (p.Lys106Glu). This variant is not present in population databases (gnomAD no frequency). This variant has not been reported in the literature in individuals affected with TINF2-related conditions. ClinVar contains an entry for this variant (Variation ID: 1023578). An algorithm developed to predict the effect of missense changes on protein structure and function (PolyPhen-2) suggests that this variant is likely to be disruptive. In summary, the available evidence is currently insufficient to determine the role of this variant in disease. Therefore, it has been classified as a Variant of Uncertain Significance.

NM_001099274.3(TINF2):c.316A>G (p.Lys106Glu)

Gene: TINF2 (TERF1 interacting nuclear factor 2; minus strand). Cytogenetic location: 14q12.
Variant type: single nucleotide variant.
Coding change: c.316A>G on transcript NM_001099274.3 (MANE Select); coding-DNA position 316, A replaced by G.
Protein change: p.Lys106Glu; replaces lysine 106 with glutamic acid.
Molecular consequence: missense variant.
Genome position (GRCh38, 1-based): chr14:24,241,758, T>C on the plus strand (A>G on the coding strand, the complement: TINF2 is on the minus strand). VCF-style: chr14-24241758-T-C. GRCh37 (hg19) VCF-style: chr14-24710964-T-C.
Other names: c.211A>G, p.Lys71Glu (NM_001363668.2); c.316A>G, p.Lys106Glu (NM_012461.3); short protein forms K106E, K71E.
Identifiers: ClinVar variation 1023578 (VCV001023578.8), dbSNP rs2040584780, ClinGen allele CA389233395.